The following is an entry in ClinVar:

NM_002184.4(IL6ST):c.2632G>C (p.Gly878Arg)

Gene: IL6ST (interleukin 6 cytokine family signal transducer; minus strand). Cytogenetic location: 5q11.2.
Variant type: single nucleotide variant.
Coding change: c.2632G>C on transcript NM_002184.4 (MANE Select); coding-DNA position 2632, G replaced by C.
Protein change: p.Gly878Arg; replaces glycine 878 with arginine.
Molecular consequence: missense variant. On other transcripts: non-coding transcript variant (2), 3 prime UTR variant (1).
Genome position (GRCh38, 1-based): chr5:55,941,207, C>G on the plus strand (G>C on the coding strand, the complement: IL6ST is on the minus strand). VCF-style: chr5-55941207-C-G. GRCh37 (hg19) VCF-style: chr5-55237035-C-G.
Other names: c.2449G>C, p.Gly817Arg (NM_001190981.2); c.2530G>C, p.Gly844Arg (NM_001364275.2); c.2422G>C, p.Gly808Arg (NM_001364276.2); c.1765G>C, p.Gly589Arg (NM_001364277.2); c.1729G>C, p.Gly577Arg (NM_001364278.2); c.1636G>C, p.Gly546Arg (NM_001364279.2); c.*1559G>C (NM_175767.3); short protein forms G577R, G817R, G546R, G589R, G808R, G844R, G878R.
Identifiers: ClinVar variation 1925088 (VCV001925088.5), dbSNP rs771304811, ClinGen allele CA3271121.

ClinVar aggregate classification (germline): Uncertain significance (1 of 4 stars; one submission).

Allele frequency attached by ClinVar (database versions not stated): gnomAD exomes 0.00001; ExAC 0.00002; gnomAD 0.00005; TOPMed 0.00005.
gnomAD v4.1: 10 of 1,614,010 alleles (0.00062%); highest among the groups gnomAD compares: Admixed American, 0.017%; no homozygotes.

Submission:

Labcorp Genetics (formerly Invitae), Labcorp
Classification: Uncertain significance. Last evaluated: 2022-04-07. Review status: criteria provided, single submitter. Criteria: Invitae Variant Classification Sherloc (09022015). Collection method: clinical testing. Allele origin: germline.
Comment: In summary, the available evidence is currently insufficient to determine the role of this variant in disease. Therefore, it has been classified as a Variant of Uncertain Significance. Algorithms developed to predict the effect of missense changes on protein structure and function (SIFT, PolyPhen-2, Align-GVGD) all suggest that this variant is likely to be tolerated. This variant has not been reported in the literature in individuals affected with IL6ST-related conditions. This variant is present in population databases (rs771304811, gnomAD 0.009%). This sequence change replaces glycine, which is neutral and non-polar, with arginine, which is basic and polar, at codon 878 of the IL6ST protein (p.Gly878Arg).